The following is an entry in ClinVar:

NM_015692.5(CPAMD8):c.114_117del (p.Ser39fs)

Gene: CPAMD8 (C3 and PZP like alpha-2-macroglobulin domain containing 8; minus strand). Cytogenetic location: 19p13.11.
Variant type: Deletion.
Coding change: c.114_117del on transcript NM_015692.5 (MANE Select); coding-DNA positions 114 to 117, 4 bases deleted (CTCT; older notation c.114_117delCTCT).
Protein change: p.Ser39fs; shifts the reading frame from serine 39.
Molecular consequence: frameshift variant. On other transcripts: non-coding transcript variant (1).
Genome position (GRCh38, 1-based): chr19:17,022,157-17,022,160, AGAG deleted on the plus strand (CTCT on the coding strand, the reverse complement: CPAMD8 is on the minus strand). VCF-style (leftmost placement, unchanged base first): chr19-17022156-CAGAG-C. GRCh37 (hg19) VCF-style: chr19-17132966-CAGAG-C.
Other names: short protein forms S39fs.
Identifiers: ClinVar variation 1906210 (VCV001906210.5), dbSNP rs766279277, ClinGen allele CA9286292.
Genomic context (GRCh38, chr19:17,022,156, plus strand): 5'-CTTCCCTTGGAGAGTTAAAGATGGTCACGCTGATGACTTCCTCCACGCCCGCGCGAAAAA[CAGAG>C]GGAGCTGCAATCAAGTAACCCCTGCAGGAAAGGAGATCCGAGGTGAAGTTCTCACCCCAG-3'

ClinVar aggregate classification (germline): Pathogenic (1 of 4 stars; one submission).

Allele frequency attached by ClinVar (database versions not stated): ExAC 0.00001; gnomAD exomes 0.00001; gnomAD 0.00002; TOPMed 0.00002.

Submission:

Labcorp Genetics (formerly Invitae), Labcorp
Classification: Pathogenic. Last evaluated: 2022-08-16. Review status: criteria provided, single submitter. Criteria: Invitae Variant Classification Sherloc (09022015). Collection method: clinical testing. Allele origin: germline.
Comment: This sequence change creates a premature translational stop signal (p.Ser86Phefs*12) in the CPAMD8 gene. It is expected to result in an absent or disrupted protein product. Loss-of-function variants in CPAMD8 are known to be pathogenic (PMID: 27839872, 29556725). This variant is present in population databases (rs766279277, gnomAD 0.01%). This variant has not been reported in the literature in individuals affected with CPAMD8-related conditions. For these reasons, this variant has been classified as Pathogenic.

Literature cited by the submitters: PubMed 27839872; PubMed 29556725.